The following is an entry in ClinVar:

ClinVar aggregate classification (germline): Uncertain significance. Review status: criteria provided, multiple submitters, no conflicts (2 of 4 stars). 2 submissions from 2 submitters: Uncertain significance (2). Last evaluated 2024-03-06.

Conditions:
Long QT syndrome (LQTS). Identifiers: MedGen C0023976, MeSH D008133, MONDO:0002442. Disease mechanism: loss of function. Inheritance: Various modes of inheritance.
Cardiac arrhythmia. Also called: Arrhythmia; Cardiac rhythm disease. Identifiers: MedGen C0003811, MONDO:0007263, HP:0011675.

Submissions (2):

Color Diagnostics, LLC DBA Color Health
Classification: Uncertain significance for Cardiac arrhythmia. Last evaluated: 2024-03-06. Review status: criteria provided, single submitter. Criteria: ACMG Guidelines, 2015. Collection method: clinical testing. Allele origin: germline.
Comment: This missense variant replaces valine with isoleucine at codon 324 of the KCNQ1 protein. Computational prediction suggests that this variant may not impact protein structure and function (internally defined REVEL score threshold <= 0.5, PMID: 27666373). To our knowledge, functional studies have not been reported for this variant. This variant has not been reported in individuals affected with cardiovascular disorders in the literature. This variant has not been identified in the general population by the Genome Aggregation Database (gnomAD). The available evidence is insufficient to determine the role of this variant in disease conclusively. Therefore, this variant is classified as a Variant of Uncertain Significance.

Labcorp Genetics (formerly Invitae), Labcorp
Classification: Uncertain significance for Long QT syndrome. Last evaluated: 2021-12-24. Review status: criteria provided, single submitter. Criteria: Invitae Variant Classification Sherloc (09022015). Collection method: clinical testing. Allele origin: germline.
Comment: This variant has not been reported in the literature in individuals affected with KCNQ1-related conditions. Algorithms developed to predict the effect of missense changes on protein structure and function output the following: SIFT: "Tolerated"; PolyPhen-2: "Benign"; Align-GVGD: "Class C0". The isoleucine amino acid residue is found in multiple mammalian species, which suggests that this missense change does not adversely affect protein function. In summary, the available evidence is currently insufficient to determine the role of this variant in disease. Therefore, it has been classified as a Variant of Uncertain Significance. This variant is not present in population databases (gnomAD no frequency). This sequence change replaces valine, which is neutral and non-polar, with isoleucine, which is neutral and non-polar, at codon 324 of the KCNQ1 protein (p.Val324Ile).

NM_000218.3(KCNQ1):c.970G>A (p.Val324Ile)

Gene: KCNQ1 (potassium voltage-gated channel subfamily Q member 1; plus strand). Cytogenetic location: 11p15.5.
Variant type: single nucleotide variant.
Coding change: c.970G>A on transcript NM_000218.3 (MANE Select); coding-DNA position 970, G replaced by A.
Protein change: p.Val324Ile; replaces valine 324 with isoleucine.
Molecular consequence: missense variant.
Genome position (GRCh38, 1-based): chr11:2,583,483, G>A. VCF-style: chr11-2583483-G-A. GRCh37 (hg19) VCF-style: chr11-2604713-G-A.
Other names: c.970G>A, p.Val324Ile (NM_001406836.1); c.700G>A, p.Val234Ile (NM_001406837.1); c.526G>A, p.Val176Ile (NM_001406838.1); c.589G>A, p.Val197Ile (NM_181798.2); short protein forms V324I, V197I, V176I, V234I.
Identifiers: ClinVar variation 1388773 (VCV001388773.9), dbSNP rs1848536066, ClinGen allele CA379133020.